The following is an entry in ClinVar:

ClinVar aggregate classification (germline): Uncertain significance (1 of 4 stars; one submission).

Conditions:
Immunodeficiency, common variable, 2 (CVID2). Also called: ANTIBODY DEFICIENCY DUE TO TACI DEFECT; HYPOGAMMAGLOBULINEMIA DUE TO TACI DEFICIENCY. Identifiers: Orphanet 1572, MedGen C3150354, MONDO:0009413, OMIM 240500.

Allele frequency attached by ClinVar (database versions not stated): gnomAD 0.00001; TOPMed 0.00002; ESP Exome Variant Server 0.00008; ExAC 0.00002.
gnomAD v4.1: 24 of 1,606,866 alleles (0.0015%); highest among the groups gnomAD compares: Middle Eastern, 0.017%; no homozygotes.

Submission:

Labcorp Genetics (formerly Invitae), Labcorp
Classification: Uncertain significance for Immunodeficiency, common variable, 2. Last evaluated: 2022-03-19. Review status: criteria provided, single submitter. Criteria: Invitae Variant Classification Sherloc (09022015). Collection method: clinical testing. Allele origin: germline.
Comment: This sequence change replaces threonine, which is neutral and polar, with methionine, which is neutral and non-polar, at codon 241 of the TNFRSF13B protein (p.Thr241Met). This variant is present in population databases (rs370250196, gnomAD 0.002%). This variant has not been reported in the literature in individuals affected with TNFRSF13B-related conditions. ClinVar contains an entry for this variant (Variation ID: 660768). Algorithms developed to predict the effect of missense changes on protein structure and function are either unavailable or do not agree on the potential impact of this missense change (SIFT: "Deleterious"; PolyPhen-2: "Probably Damaging"; Align-GVGD: "Class C0"). In summary, the available evidence is currently insufficient to determine the role of this variant in disease. Therefore, it has been classified as a Variant of Uncertain Significance.

NM_012452.3(TNFRSF13B):c.722C>T (p.Thr241Met)

Gene: TNFRSF13B (TNF receptor superfamily member 13B; minus strand). Cytogenetic location: 17p11.2.
Variant type: single nucleotide variant.
Coding change: c.722C>T on transcript NM_012452.3 (MANE Select); coding-DNA position 722, C replaced by T.
Protein change: p.Thr241Met; replaces threonine 241 with methionine.
Molecular consequence: missense variant.
Genome position (GRCh38, 1-based): chr17:16,939,707, G>A on the plus strand (C>T on the coding strand, the complement: TNFRSF13B is on the minus strand). VCF-style: chr17-16939707-G-A. GRCh37 (hg19) VCF-style: chr17-16843021-G-A.
Other names: short protein forms T241M.
Identifiers: ClinVar variation 660768 (VCV000660768.3), dbSNP rs370250196, ClinGen allele CA8413870.
Genomic context (GRCh38, chr17:16,939,707, plus strand): 5'-CACCCCCACCTTCCAGCACAAGTGGGGTCGGGGGTCCCAGGCGTGACTGCGCTCTCCTGC[G>A]TGGGCGCCCTGCACTCAGGGAAGCAGAAGCTGCAGGTCTCCACTGGCTCGGGGGATGTGC-3'
Protein context (NP_036584.1, residues 231-251): SFCFPECRAP[Thr241Met]QESAVTPGTP